The following is an entry in ClinVar:

ClinVar aggregate classification (germline): Pathogenic/Likely pathogenic. Review status: criteria provided, multiple submitters, no conflicts (2 of 4 stars). 4 submissions from 4 submitters: Pathogenic (1); Likely pathogenic (3). Last evaluated 2025-11-07.

Conditions:
Roberts-SC phocomelia syndrome (RBS). Also called: LONG BONE DEFICIENCIES ASSOCIATED WITH CLEFT LIP-PALATE; ESCO2 Spectrum Disorder; Hypomelia hypotrichosis facial hemangioma syndrome; Pseudothalidomide syndrome; Appelt-Gerken-Lenz syndrome. Identifiers: Orphanet 3103, MedGen C0392475, MONDO:0100253, OMIM 268300.

Submissions (4):

Natera, Inc.
Classification: Likely pathogenic for Roberts syndrome. Last evaluated: 2025-11-07. Review status: criteria provided, single submitter. Criteria: Natera Variant Classification Schema (03/2026). Collection method: clinical testing. Allele origin: germline.
Comment: The c.845_848delAAGA variant in ESCO2 is a frameshift variant predicted to shift the reading frame beginning at codon 282 and leads to a stop codon 3 codons downstream. This variant is expected to result in nonsense mediated decay, truncation, or a dysfunctional protein product. This variant is rare in the general population with a frequency below the threshold expected for the associated phenotype(s). Given the available evidence, this variant is classified as Likely Pathogenic.

Department of Pathology and Laboratory Medicine, Sinai Health System
Classification: Likely pathogenic for Roberts-SC phocomelia syndrome. Last evaluated: 2023-04-17. Review status: criteria provided, single submitter. Criteria: ACMG Guidelines, 2015. Collection method: research. Allele origin: germline.

Women's Health and Genetics/Laboratory Corporation of America, LabCorp
Classification: Likely pathogenic for Roberts-SC phocomelia syndrome. Last evaluated: 2023-04-06. Review status: criteria provided, single submitter. Criteria: LabCorp Variant Classification Summary - May 2015. Collection method: clinical testing. Allele origin: germline.
Comment: Variant summary: ESCO2 c.845_848delAAGA (p.Lys282ArgfsX3) results in a premature termination codon, predicted to cause a truncation of the encoded protein or absence of the protein due to nonsense mediated decay, which are commonly known mechanisms for disease. Truncations downstream of this position have been reported in affected individuals (HGMD). The variant allele was found at a frequency of 4.2e-06 in 236404 control chromosomes (gnomAD). To our knowledge, no occurrence of c.845_848delAAGA in individuals affected with Roberts-SC phocomelia syndrome and no experimental evidence demonstrating its impact on protein function have been reported. One clinical diagnostic laboratory has submitted clinical-significance assessments for this variant to ClinVar after 2014, and classified the variant as pathogenic. Based on the evidence outlined above, the variant was classified as likely pathogenic.

Labcorp Genetics (formerly Invitae), Labcorp
Classification: Pathogenic. Last evaluated: 2023-03-03. Review status: criteria provided, single submitter. Criteria: Invitae Variant Classification Sherloc (09022015). Collection method: clinical testing. Allele origin: germline.
Comment: This sequence change creates a premature translational stop signal (p.Lys282Argfs*3) in the ESCO2 gene. It is expected to result in an absent or disrupted protein product. Loss-of-function variants in ESCO2 are known to be pathogenic (PMID: 15821733, 16380922). This variant is present in population databases (rs761404241, gnomAD 0.004%). This variant has not been reported in the literature in individuals affected with ESCO2-related conditions. ClinVar contains an entry for this variant (Variation ID: 2062725). Algorithms developed to predict the effect of sequence changes on RNA splicing suggest that this variant may create or strengthen a splice site. For these reasons, this variant has been classified as Pathogenic.

Literature cited by the submitters: PubMed 15821733 (cited by Labcorp Genetics (formerly Invitae), Labcorp); PubMed 16380922 (cited by Labcorp Genetics (formerly Invitae), Labcorp).

NM_001017420.3(ESCO2):c.845_848del (p.Lys282fs)

Gene: ESCO2 (establishment of sister chromatid cohesion N-acetyltransferase 2; plus strand). Cytogenetic location: 8p21.1.
Variant type: Deletion.
Coding change: c.845_848del on transcript NM_001017420.3 (MANE Select); coding-DNA positions 845 to 848, 4 bases deleted (AAGA; older notation c.845_848delAAGA).
Protein change: p.Lys282fs; shifts the reading frame from lysine 282.
Molecular consequence: frameshift variant.
Genome position (GRCh38, 1-based): chr8:27,777,153-27,777,156, AAGA deleted; deleting any 4 consecutive bases within chr8:27,777,152-27,777,156 gives the same sequence; the c. name uses the placement nearest the transcript's 3' end. VCF-style (leftmost placement, unchanged base first): chr8-27777151-TAAAG-T. GRCh37 (hg19) VCF-style: chr8-27634668-TAAAG-T.
Other names: c.845_848delAAGA (NM_001017420.2); short protein forms K282fs.
Identifiers: ClinVar variation 2062725 (VCV002062725.7), dbSNP rs761404241, ClinGen allele CA4692122.